The following is an entry in ClinVar:

ClinVar aggregate classification (germline): Pathogenic/Likely pathogenic. Review status: criteria provided, multiple submitters, no conflicts (2 of 4 stars). 3 submissions from 3 submitters: Pathogenic (2); Likely pathogenic (1). Last evaluated 2026-05-19.

Conditions:
Enterokinase deficiency. Also called: ENTEROPEPTIDASE DEFICIENCY; Deficiency of enteropeptidase; Congenital enteropathy due to enteropeptidase deficiency. Identifiers: Orphanet 168601, MedGen C0268416, MONDO:0009173, OMIM 226200.

Allele frequency attached by ClinVar (database versions not stated): TOPMed 0.00003; ExAC 0.00001; gnomAD 0.00002; gnomAD exomes 0.00002.
gnomAD v4.1: 34 of 1,613,248 alleles (0.0021%); highest among the groups gnomAD compares: Non-Finnish European, 0.0026%; no homozygotes.

Submissions (3):

Department of Molecular Genetics, Istishari Arab Hospital
Classification: Pathogenic for Enterokinase deficiency. Last evaluated: 2026-05-19. Review status: criteria provided, single submitter. Criteria: ACMG Guidelines, 2015. Collection method: clinical testing. Allele origin: germline. Inheritance: Autosomal recessive inheritance. Affected: yes.
Comment: The TMPRSS15 variant c.2611C>T, p.Arg871* creates a premature stop codon at position 871 in exon 22 (out of 25 exons). The variant is observed with very low frequency in the gnomAD v4.1.0 dataset (total allele frequency: <0.001%), and to the best of our knowledge. It has not been previously reported in the literature. Loss-of-function variants in the TMPRSS15 have been previously described as disease-causing in patients with Enterokinase deficiency (PMID: 11719902). It is classified as pathogenic according to the recommendations of ACMG/AMP/ClinGen SVI guidelines.

Labcorp Genetics (formerly Invitae), Labcorp
Classification: Pathogenic. Last evaluated: 2024-05-01. Review status: criteria provided, single submitter. Criteria: Invitae Variant Classification Sherloc (09022015). Collection method: clinical testing. Allele origin: germline.
Comment: This sequence change creates a premature translational stop signal (p.Arg871*) in the TMPRSS15 gene. It is expected to result in an absent or disrupted protein product. Loss-of-function variants in TMPRSS15 are known to be pathogenic (PMID: 11719902). This variant is present in population databases (rs767258888, gnomAD 0.004%). This variant has not been reported in the literature in individuals affected with TMPRSS15-related conditions. ClinVar contains an entry for this variant (Variation ID: 2139742). For these reasons, this variant has been classified as Pathogenic.

Laboratorio de Genetica e Diagnostico Molecular, Hospital Israelita Albert Einstein
Classification: Likely pathogenic for Enterokinase deficiency. Last evaluated: 2023-10-11. Review status: criteria provided, single submitter. Criteria: ACMG Guidelines, 2015. Collection method: clinical testing. Allele origin: germline. Affected: yes.
Comment: ACMG classification criteria: PVS1 very strong, PM2 supporting

Literature cited by the submitters: PubMed 11719902 (cited by Department of Molecular Genetics, Istishari Arab Hospital and Labcorp Genetics (formerly Invitae), Labcorp).

NM_002772.3(TMPRSS15):c.2611C>T (p.Arg871Ter)

Gene: TMPRSS15 (transmembrane serine protease 15; minus strand). Cytogenetic location: 21q21.1.
Variant type: single nucleotide variant.
Coding change: c.2611C>T on transcript NM_002772.3 (MANE Select); coding-DNA position 2611, C replaced by T.
Protein change: p.Arg871Ter; replaces arginine 871 with a stop codon.
Molecular consequence: nonsense.
Genome position (GRCh38, 1-based): chr21:18,281,097, G>A on the plus strand (C>T on the coding strand, the complement: TMPRSS15 is on the minus strand). VCF-style: chr21-18281097-G-A. GRCh37 (hg19) VCF-style: chr21-19653414-G-A.
Other names: p.Arg871*; short protein forms R871*.
Identifiers: ClinVar variation 2139742 (VCV002139742.5), dbSNP rs767258888, ClinGen allele CA9983990.